The following is an entry in ClinVar:

ClinVar aggregate classification (germline): Uncertain significance (1 of 4 stars; one submission).

gnomAD v4.1: 1 of 1,611,726 alleles (0.000062%); highest among the groups gnomAD compares: Non-Finnish European, 0.000085%; no homozygotes.

Submission:

Labcorp Genetics (formerly Invitae), Labcorp
Classification: Uncertain significance. Last evaluated: 2024-11-25. Review status: criteria provided, single submitter. Criteria: Invitae Variant Classification Sherloc (09022015). Collection method: clinical testing. Allele origin: germline.
Comment: This sequence change replaces serine, which is neutral and polar, with asparagine, which is neutral and polar, at codon 388 of the DVL1 protein (p.Ser388Asn). This variant is not present in population databases (gnomAD no frequency). This variant has not been reported in the literature in individuals affected with DVL1-related conditions. Invitae Evidence Modeling of protein sequence and biophysical properties (such as structural, functional, and spatial information, amino acid conservation, physicochemical variation, residue mobility, and thermodynamic stability) indicates that this missense variant is not expected to disrupt DVL1 protein function with a negative predictive value of 80%. In summary, the available evidence is currently insufficient to determine the role of this variant in disease. Therefore, it has been classified as a Variant of Uncertain Significance.

NM_001330311.2(DVL1):c.1238G>A (p.Ser413Asn)

Gene: DVL1 (dishevelled segment polarity protein 1; minus strand). Cytogenetic location: 1p36.33.
Variant type: single nucleotide variant.
Coding change: c.1238G>A on transcript NM_001330311.2 (MANE Select); coding-DNA position 1238, G replaced by A.
Protein change: p.Ser413Asn; replaces serine 413 with asparagine.
Molecular consequence: missense variant.
Genome position (GRCh38, 1-based): chr1:1,338,623, C>T on the plus strand (G>A on the coding strand, the complement: DVL1 is on the minus strand). VCF-style: chr1-1338623-C-T. GRCh37 (hg19) VCF-style: chr1-1274003-C-T.
Other names: c.1163G>A, p.Ser388Asn (NM_004421.3); short protein forms S413N, S388N.
Identifiers: ClinVar variation 3686423 (VCV003686423.2).
Genomic context (GRCh38, chr1:1,338,623, plus strand): 5'-TCGCGGATCTCCAGTCCCGAGTCTGGCAGCTGCATGACCCGGACGACGGCGCTCATGTCA[C>T]TCTTCACCGTCAGCGGCGCCTCTTCCAGCTCTGCAAAGCACAGACAGCCCCGCTTCAGCC-3'
Protein context (NP_001317240.1, residues 403-423): QLEEAPLTVK[Ser413Asn]DMSAVVRVMQ